The following is an entry in ClinVar:

NM_016239.4(MYO15A):c.5891_5900del (p.Ser1964fs)

Gene: MYO15A (myosin XVA; plus strand). Cytogenetic location: 17p11.2.
Variant type: Deletion.
Coding change: c.5891_5900del on transcript NM_016239.4 (MANE Select); coding-DNA positions 5891 to 5900, 10 bases deleted (GCCGCCGACG; older notation c.5891_5900delGCCGCCGACG).
Protein change: p.Ser1964fs; shifts the reading frame from serine 1964.
Molecular consequence: frameshift variant.
Genome position (GRCh38, 1-based): chr17:18,142,821-18,142,830, GCCGCCGACG deleted. VCF-style (leftmost placement, unchanged base first): chr17-18142820-AGCCGCCGACG-A. GRCh37 (hg19) VCF-style: chr17-18046134-AGCCGCCGACG-A.
Other names: short protein forms S1964fs.
Identifiers: ClinVar variation 3075879 (VCV003075879.1), dbSNP rs2545262156, ClinGen allele CA2825002475.

ClinVar aggregate classification (germline): Likely pathogenic (1 of 4 stars; one submission).

Conditions:
Rare genetic deafness. Identifiers: Orphanet 96210, MedGen C5680250.

Submission:

Laboratory for Molecular Medicine, Mass General Brigham Personalized Medicine
Classification: Likely pathogenic for Rare genetic deafness. Last evaluated: 2022-08-26. Review status: criteria provided, single submitter. Criteria: ACMG Guidelines, 2015. Collection method: clinical testing. Allele origin: germline.
Comment: The p.Ser1964ThrfsX5 variant in MYO15A has not been reported in individuals with nonsyndromic hearing loss and was absent from large population studies. This variant is predicted to cause a frameshift, which alters the protein’s amino acid sequence beginning at position 1964 and leads to a premature termination codon 5 amino acids downstream. This alteration is then predicted to lead to a truncated or absent protein. Loss of function of the MYO15A gene is an established disease mechanism in autosomal recessive nonsyndromic hearing loss. In summary, although additional studies are required to fully establish its clinical significance, this variant meets criteria to be classified as likely pathogenic for autosomal recessive nonsyndromic hearing loss. ACMG/AMP Criteria applied: PVS1, PM2_Supporting.